The following is an entry in ClinVar:

ClinVar aggregate classification (germline): Benign/Likely benign. Review status: criteria provided, multiple submitters, no conflicts (2 of 4 stars). 7 submissions from 7 submitters: Benign (1); Likely benign (5). 1 of the submissions does not count toward it. Last evaluated 2026-01-27.

Conditions:
TGFBR2-related disorder. Also called: TGFBR2-related condition.
Familial thoracic aortic aneurysm and aortic dissection (TAAD). Also called: Thoracic aortic aneurysms and dissections. Identifiers: Orphanet 91387, MedGen C4707243, MONDO:0019625.
Loeys-Dietz syndrome 2 (LDS2). Also called: TGFBR2-Related Loeys-Dietz Syndrome; AORTIC ANEURYSM, FAMILIAL THORACIC 3; MARFAN SYNDROME, TYPE II; Marfan syndrome, type 2 (formerly); Marfan Syndrome type 2; Marfan like connective tissue disorder. Identifiers: Orphanet 284973, Orphanet 558, MedGen C2674574, MONDO:0012427, OMIM 610168.

Allele frequency attached by ClinVar (database versions not stated): ExAC 0.00003; ESP Exome Variant Server 0.00008; gnomAD 0.00010; TOPMed 0.00010; 1000 Genomes Project 30x 0.00031; 1000 Genomes Project 0.00040.
gnomAD v4.1: 86 of 1,604,530 alleles (0.0054%); highest among the groups gnomAD compares: Admixed American, 0.12%; 1 homozygote.

Submissions (7):

Labcorp Genetics (formerly Invitae), Labcorp
Classification: Likely benign for Familial thoracic aortic aneurysm and aortic dissection. Last evaluated: 2026-01-27. Review status: criteria provided, single submitter. Criteria: Invitae Variant Classification Sherloc (09022015). Collection method: clinical testing. Allele origin: germline.

Women's Health and Genetics/Laboratory Corporation of America, LabCorp
Classification: Benign. Last evaluated: 2024-10-20. Review status: criteria provided, single submitter. Criteria: LabCorp Variant Classification Summary - May 2015. Collection method: clinical testing. Allele origin: germline.

All of Us Research Program, National Institutes of Health
Classification: Likely benign for Loeys-Dietz syndrome 2. Last evaluated: 2024-02-05. Review status: criteria provided, single submitter. Criteria: ACMG Guidelines, 2015. Collection method: clinical testing. Allele origin: germline. Inheritance: Autosomal dominant inheritance. Observed: 25 variant alleles, 25 heterozygotes.
Comment: This study involves interpretation of variants in research participants for the purpose of population health screening. Participant phenotype was not available at the time of variant classification. Additional details can be found in publication PMID: 35346344, PMCID: PMC8962531

Color Diagnostics, LLC DBA Color Health
Classification: Likely benign for Familial thoracic aortic aneurysm and aortic dissection. Last evaluated: 2019-01-11. Review status: criteria provided, single submitter. Criteria: ACMG Guidelines, 2015. Collection method: clinical testing. Allele origin: germline.

GeneDx
Classification: Likely benign. Last evaluated: 2018-12-11. Review status: criteria provided, single submitter. Criteria: GeneDx Variant Classification Process June 2021. Collection method: clinical testing. Allele origin: germline. Affected: yes.

Ambry Genetics
Classification: Likely benign for Familial thoracic aortic aneurysm and aortic dissection. Last evaluated: 2018-03-02. Review status: criteria provided, single submitter. Criteria: Ambry Variant Classification Scheme 2023. Collection method: clinical testing. Allele origin: germline.

PreventionGenetics, part of Exact Sciences
Classification: Likely benign for TGFBR2-related condition. Last evaluated: 2020-02-17. Review status: no assertion criteria provided. Collection method: clinical testing. Allele origin: germline. Not counted in ClinVar's aggregate classification.
Comment: This variant is classified as likely benign based on ACMG/AMP sequence variant interpretation guidelines (Richards et al. 2015 PMID: 25741868, with internal and published modifications).

NM_003242.6(TGFBR2):c.1092T>C (p.Asp364=)

Gene: TGFBR2 (transforming growth factor beta receptor 2; plus strand). Cytogenetic location: 3p24.1.
Variant type: single nucleotide variant.
Coding change: c.1092T>C on transcript NM_003242.6 (MANE Select); coding-DNA position 1092, T replaced by C.
Protein change: p.Asp364=; no amino-acid change (aspartic acid 364 retained).
Molecular consequence: synonymous variant. On other transcripts: intron variant (1).
Genome position (GRCh38, 1-based): chr3:30,672,275, T>C. VCF-style: chr3-30672275-T-C. GRCh37 (hg19) VCF-style: chr3-30713767-T-C.
Other names: c.1167T>C, p.Asp389= (NM_001024847.3); c.1275T>C, p.Asp425= (NM_001407126.1); c.1200T>C, p.Asp400= (NM_001407127.1); c.1119T>C, p.Asp373= (NM_001407128.1); c.1095T>C, p.Asp365= (NM_001407129.1); c.1092T>C, p.Asp364= (NM_001407130.1); c.987T>C, p.Asp329= (NM_001407132.1, NM_001407133.1, NM_001407134.1 and 2 more transcripts); c.807T>C, p.Asp269= (NM_001407137.1); and 2 more.
Identifiers: ClinVar variation 516729 (VCV000516729.22), dbSNP rs149195553, ClinGen allele CA045631.